The following is an entry in ClinVar:

NM_001010867.4(IBA57):c.189C>A (p.Gly63=)

Gene: IBA57 (iron-sulfur cluster assembly factor IBA57; plus strand). Cytogenetic location: 1q42.13.
Variant type: single nucleotide variant.
Coding change: c.189C>A on transcript NM_001010867.4 (MANE Select); coding-DNA position 189, C replaced by A.
Protein change: p.Gly63=; no amino-acid change (glycine 63 retained).
Molecular consequence: synonymous variant.
Genome position (GRCh38, 1-based): chr1:228,166,005, C>A. VCF-style: chr1-228166005-C-A. GRCh37 (hg19) VCF-style: chr1-228353706-C-A.
Identifiers: ClinVar variation 4281305 (VCV004281305.7).

ClinVar aggregate classification (germline): Likely benign (1 of 4 stars; one submission).

Submission:

CeGaT Center for Human Genetics Tuebingen
Classification: Likely benign. Last evaluated: 2025-09-01. Review status: criteria provided, single submitter. Criteria: CeGaT Center For Human Genetics Tuebingen Variant Classification Criteria Version 2. Collection method: clinical testing. Allele origin: germline. Affected: yes. Observed: 1 variant allele.
Comment: IBA57: PM2:Supporting, BP4, BP7